The following is an entry in ClinVar:

NM_000179.3(MSH6):c.2028_2034del (p.Lys676fs)

Gene: MSH6 (mutS homolog 6; plus strand). Cytogenetic location: 2p16.3.
Variant type: Deletion.
Coding change: c.2028_2034del on transcript NM_000179.3 (MANE Select); coding-DNA positions 2028 to 2034, 7 bases deleted (AAGTGAA; older notation c.2028_2034delAAGTGAA).
Protein change: p.Lys676fs; shifts the reading frame from lysine 676.
Molecular consequence: frameshift variant.
Genome position (GRCh38, 1-based): chr2:47,800,011-47,800,017, AAGTGAA deleted; deleting any 7 consecutive bases within chr2:47,800,008-47,800,017 gives the same sequence; the c. name uses the placement nearest the transcript's 3' end. VCF-style (leftmost placement, unchanged base first): chr2-47800007-AGAAAAGT-A. GRCh37 (hg19) VCF-style: chr2-48027146-AGAAAAGT-A.
Other names: c.1638_1644del, p.Lys546fs (NM_001281492.2); c.1122_1128del, p.Lys374fs (NM_001281493.2, NM_001281494.2); c.2124_2130delAAGTGAA, p.Lys708Asnfs (NM_001406795.1, NM_001406802.1); c.2028_2034delAAGTGAA, p.Lys676Asnfs (NM_001406796.1, NM_001406798.1, NM_001406800.1 and 3 more transcripts); c.1731_1737delAAGTGAA, p.Lys577Asnfs (NM_001406797.1, NM_001406801.1, NM_001406805.1 and 10 more transcripts); c.1503_1509delAAGTGAA, p.Lys501Asnfs (NM_001406799.1, NM_001406806.1, NM_001406807.1); c.1950_1956delAAGTGAA, p.Lys650Asnfs (NM_001406804.1); c.1122_1128delAAGTGAA, p.Lys374Asnfs (NM_001406811.1, NM_001406812.1, NM_001406814.1 and 4 more transcripts); and 2 more; short protein forms K374fs, K546fs, K676fs.
Identifiers: ClinVar variation 1784680 (VCV001784680.2), dbSNP rs2530645938, ClinGen allele CA2580067747.

ClinVar aggregate classification (germline): Pathogenic (1 of 4 stars; one submission).

Conditions:
Hereditary cancer-predisposing syndrome. Also called: Neoplastic Syndromes, Hereditary; Tumor predisposition; Hereditary Cancer Syndrome; Hereditary neoplastic syndrome. Identifiers: Orphanet 140162, MedGen C0027672, MeSH D009386, MONDO:0015356.

Submission:

Ambry Genetics
Classification: Pathogenic for Hereditary cancer-predisposing syndrome. Last evaluated: 2018-08-07. Review status: criteria provided, single submitter. Criteria: Ambry Variant Classification Scheme 2023. Collection method: clinical testing. Allele origin: germline.
Comment: The c.2028_2034delAAGTGAA pathogenic mutation, located in coding exon 4 of the MSH6 gene, results from a deletion of 7 nucleotides at nucleotide positions 2028 to 2034, causing a translational frameshift with a predicted alternate stop codon (p.K676Nfs*7). This alteration is expected to result in loss of function by premature protein truncation or nonsense-mediated mRNA decay. As such, this alteration is interpreted as a disease-causing mutation.